The following is an entry in ClinVar:

NM_006767.4(LZTR1):c.1231A>C (p.Ile411Leu)

Gene: LZTR1 (leucine zipper like post translational regulator 1; plus strand). Cytogenetic location: 22q11.21.
Variant type: single nucleotide variant.
Coding change: c.1231A>C on transcript NM_006767.4 (MANE Select); coding-DNA position 1231, A replaced by C.
Protein change: p.Ile411Leu; replaces isoleucine 411 with leucine.
Molecular consequence: missense variant.
Genome position (GRCh38, 1-based): chr22:20,992,875, A>C. VCF-style: chr22-20992875-A-C. GRCh37 (hg19) VCF-style: chr22-21347164-A-C.
Other names: short protein forms I411L.
Identifiers: ClinVar variation 3238037 (VCV003238037.1), dbSNP rs2518618912.

ClinVar aggregate classification (germline): Uncertain significance (1 of 4 stars; one submission).

Conditions:
Hereditary cancer-predisposing syndrome. Also called: Neoplastic Syndromes, Hereditary; Tumor predisposition; Hereditary neoplastic syndrome; Hereditary Cancer Syndrome. Identifiers: Orphanet 140162, MedGen C0027672, MeSH D009386, MONDO:0015356.
Cardiovascular phenotype. Identifiers: MedGen CN230736.

Submission:

Ambry Genetics
Classification: Uncertain significance for Cardiovascular phenotype; Hereditary cancer-predisposing syndrome. Last evaluated: 2023-12-18. Review status: criteria provided, single submitter. Criteria: Ambry Variant Classification Scheme 2023. Collection method: clinical testing. Allele origin: germline.
Comment: The p.I411L variant (also known as c.1231A>C), located in coding exon 11 of the LZTR1 gene, results from an A to C substitution at nucleotide position 1231. The isoleucine at codon 411 is replaced by leucine, an amino acid with highly similar properties. This amino acid position is conserved. In addition, this alteration is predicted to be tolerated by in silico analysis. Since supporting evidence is limited at this time, the clinical significance of this alteration remains unclear.